The following is an entry in ClinVar:

NM_001369369.1(FOXN1):c.823del (p.Ser275fs)

Gene: FOXN1 (forkhead box N1; plus strand). Cytogenetic location: 17q11.2.
Variant type: Deletion.
Coding change: c.823del on transcript NM_001369369.1 (MANE Select); coding-DNA position 823, one base deleted (T; older notation c.823delT).
Protein change: p.Ser275fs; shifts the reading frame from serine 275.
Molecular consequence: frameshift variant.
Genome position (GRCh38, 1-based): chr17:28,529,217, T deleted; the last of 2 consecutive T bases (chr17:28,529,216-28,529,217); deleting either gives the same sequence. VCF-style (leftmost placement, unchanged base first): chr17-28529215-AT-A. GRCh37 (hg19) VCF-style: chr17-26856233-AT-A.
Other names: c.823del, p.Ser275fs (NM_003593.3); short protein forms S275fs.
Identifiers: ClinVar variation 1075865 (VCV001075865.5), dbSNP rs2151492087, ClinGen allele CA2499223948.
Genomic context (GRCh38, chr17:28,529,215, plus strand): 5'-AGCGAATGGCACCCCAGGCCAGCACCGATGGGCACCAGCCTCTCTTCCCAAAACCCATCT[AT>A]TCCTACAGGTACATTTCCCACTCTCCAGGGATGGGAGGAGGAGGGGAGTGAGAGGGCCCC-3'

ClinVar aggregate classification (germline): Pathogenic (1 of 4 stars; one submission).

Conditions:
T-cell immunodeficiency, congenital alopecia, and nail dystrophy. Also called: Congenital alopecia and nail dystrophy associated with severe functional T-cell immunodeficiency; Pignata Guarino syndrome. Identifiers: Orphanet 169095, MedGen C1866426, MONDO:0011132, OMIM 601705.

Submission:

Labcorp Genetics (formerly Invitae), Labcorp
Classification: Pathogenic for T-cell immunodeficiency, congenital alopecia, and nail dystrophy. Last evaluated: 2020-08-30. Review status: criteria provided, single submitter. Criteria: Invitae Variant Classification Sherloc (09022015). Collection method: clinical testing. Allele origin: germline.
Comment: For these reasons, this variant has been classified as Pathogenic. Loss-of-function variants in FOXN1 are known to be pathogenic (PMID: 10206641, 15180707, 31447097). This variant has not been reported in the literature in individuals with FOXN1-related conditions. This variant is not present in population databases (ExAC no frequency). This sequence change creates a premature translational stop signal (p.Ser275Profs*27) in the FOXN1 gene. It is expected to result in an absent or disrupted protein product.

Literature cited by the submitters: PubMed 10206641; PubMed 15180707; PubMed 31447097.